The following is an entry in ClinVar:

NM_024301.5(FKRP):c.516_520delinsTGTCT (p.Ser174Cys)

Gene: FKRP (fukutin related protein; plus strand). Cytogenetic location: 19q13.32.
Variant type: Indel.
Coding change: c.516_520delinsTGTCT on transcript NM_024301.5 (MANE Select); coding-DNA positions 516 to 520, CGTCA replaced by TGTCT.
Protein change: p.Ser174Cys; replaces serine 174 with cysteine.
Molecular consequence: missense variant.
Genome position (GRCh38, 1-based): chr19:46,755,966-46,755,970, CGTCA replaced by TGTCT. VCF-style: chr19-46755966-CGTCA-TGTCT. GRCh37 (hg19) VCF-style: chr19-47259223-CGTCA-TGTCT.
Other names: c.516_520delinsTGTCT, p.Ser174Cys (NM_001039885.3); short protein forms S174C.
Identifiers: ClinVar variation 3339866 (VCV003339866.1).

ClinVar aggregate classification (germline): Likely benign (1 of 4 stars; one submission).

Submission:

Women's Health and Genetics/Laboratory Corporation of America, LabCorp
Classification: Likely benign. Last evaluated: 2024-06-21. Review status: criteria provided, single submitter. Criteria: LabCorp Variant Classification Summary - May 2015. Collection method: clinical testing. Allele origin: germline.
Comment: Variant summary: FKRP c.516_520delinsTGTCT (p.Ser174Cys) is part of a multinucleotide combination of 19-47259223-C-T (c.516C>T, p.Asn172Asn) and 19-47259227-A-T (c.520A>T, p.Ser174Cys) that results in a non-conservative amino acid change in the encoded protein sequence. Three of five in-silico tools predict a damaging effect of the variant on protein function. The variant was absent in 166638 control chromosomes. However, the missense component of this variant (c.520A>T, p.Ser174Cys) is found at a frequency of 0.0031 control chromosomes in the gnomAD database, including 7 homozygotes, strongly suggesting the variant is benign. p.Ser174Cys has been reported in the literature in the heterozygous state in individuals with clinical features of muscular dystrophy, without strong evidence for causality (e.g. Quijano-Roy_2006, Hafner_2014). Consensus agreement among computation tools predict no significant impact of c.516_520delinsTGTCT on normal splicing and to our knowledge, no experimental evidence demonstrating an impact on protein function has been reported. The following publications have been ascertained in the context of this evaluation (PMID: 24556424, 16368217, 26633542). No submitters have cited clinical-significance assessments for this variant to ClinVar. Based on the evidence outlined above, the variant was classified as likely benign.

Literature cited by the submitters: PubMed 26633542; PubMed 24556424; PubMed 16368217.